The following is an entry in ClinVar:

NM_001283009.2(RTEL1):c.2513T>C (p.Leu838Pro)

Genes: RTEL1 (regulator of telomere elongation helicase 1; plus strand), RTEL1-TNFRSF6B (RTEL1-TNFRSF6B readthrough (NMD candidate); plus strand). Cytogenetic location: 20q13.33.
Variant type: single nucleotide variant.
Coding change: c.2513T>C on transcript NM_001283009.2 (MANE Select); coding-DNA position 2513, T replaced by C.
Protein change: p.Leu838Pro; replaces leucine 838 with proline.
Molecular consequence: missense variant. On other transcripts: non-coding transcript variant (1).
Genome position (GRCh38, 1-based): chr20:63,690,904, T>C. VCF-style: chr20-63690904-T-C. GRCh37 (hg19) VCF-style: chr20-62322257-T-C.
Other names: c.1844T>C, p.Leu615Pro (NM_001283010.1); c.2513T>C, p.Leu838Pro (NM_016434.4); c.2585T>C, p.Leu862Pro (NM_032957.5); short protein forms L615P, L838P, L862P.
Identifiers: ClinVar variation 4782364 (VCV004782364.1).

ClinVar aggregate classification (germline): Uncertain significance (1 of 4 stars; one submission).

Conditions:
Pulmonary fibrosis and/or bone marrow failure, Telomere-related, 3. Also called: PULMONARY FIBROSIS AND/OR BONE MARROW FAILURE SYNDROME, TELOMERE-RELATED, 3. Identifiers: Orphanet 2032, MedGen C4225346, MONDO:0014613, OMIM 616373.
Dyskeratosis congenita, autosomal recessive 5 (DKCB5). Identifiers: MedGen C3554656, MONDO:0014076, OMIM 615190.

gnomAD v4.1: 1 of 1,578,838 alleles (0.000063%); highest among the groups gnomAD compares: Non-Finnish European, 0.000086%; no homozygotes.

Submission:

Labcorp Genetics (formerly Invitae), Labcorp
Classification: Uncertain significance for Dyskeratosis congenita, autosomal recessive 5; Pulmonary fibrosis and/or bone marrow failure, Telomere-related, 3. Last evaluated: 2025-03-25. Review status: criteria provided, single submitter. Criteria: Invitae Variant Classification Sherloc (09022015). Collection method: clinical testing. Allele origin: germline.
Comment: This sequence change replaces leucine, which is neutral and non-polar, with proline, which is neutral and non-polar, at codon 838 of the RTEL1 protein (p.Leu838Pro). This variant is not present in population databases (gnomAD no frequency). This variant has not been reported in the literature in individuals affected with RTEL1-related conditions. An algorithm developed to predict the effect of missense changes on protein structure and function (PolyPhen-2) suggests that this variant is likely to be disruptive. In summary, the available evidence is currently insufficient to determine the role of this variant in disease. Therefore, it has been classified as a Variant of Uncertain Significance.